The following is an entry in ClinVar:

ClinVar aggregate classification (germline): Likely pathogenic (1 of 4 stars; one submission).

Submission:

ARUP Laboratories, Molecular Genetics and Genomics, ARUP Laboratories
Classification: Likely pathogenic. Last evaluated: 2025-12-10. Review status: criteria provided, single submitter. Criteria: ARUP Molecular Germline Variant Investigation Process 2024. Collection method: clinical testing. Allele origin: germline.
Comment: The NFASC c.2615G>A; p.Trp872Ter variant (rs2095607562), to our knowledge, is not reported in the medical literature or gene specific databases. This variant induces an early termination codon and is predicted to result in a truncated protein or mRNA subject to nonsense-mediated decay. Based on available information, this variant is considered to be likely pathogenic.

NM_001160331.2(NFASC):c.2660G>A (p.Trp887Ter)

Gene: NFASC (neurofascin; plus strand). Cytogenetic location: 1q32.1.
Variant type: single nucleotide variant.
Coding change: c.2660G>A on transcript NM_001160331.2 (MANE Plus Clinical); coding-DNA position 2660, G replaced by A.
Protein change: p.Trp887Ter; replaces tryptophan 887 with a stop codon.
Molecular consequence: nonsense. On other transcripts: intron variant (2).
Genome position (GRCh38, 1-based): chr1:204,985,950, G>A. VCF-style: chr1-204985950-G-A. GRCh37 (hg19) VCF-style: chr1-204955078-G-A.
Other names: c.2615G>A, p.Trp872Ter (NM_001160332.2, NM_015090.4); c.2627G>A, p.Trp876Ter (NM_001378329.1); c.2471-1468G>A (NM_001005388.3); c.2459-1468G>A (NM_001365986.1); short protein forms W872*, W876*, W887*.
Identifiers: ClinVar variation 4686068 (VCV004686068.1).